The following is an entry in ClinVar:

ClinVar aggregate classification (germline): Likely benign. Review status: criteria provided, multiple submitters, no conflicts (2 of 4 stars). 3 submissions from 3 submitters: Likely benign (3). Last evaluated 2025-05-13.

Conditions:
Tuberous sclerosis 2 (TSC2). Identifiers: Orphanet 805, MedGen C1860707, MONDO:0013199, OMIM 613254.

Allele frequency attached by ClinVar (database versions not stated): ExAC 0.00001.
gnomAD v4.1: 7 of 1,613,972 alleles (0.00043%); highest among the groups gnomAD compares: East Asian, 0.016%; no homozygotes.

Submissions (3):

Myriad Genetics, Inc.
Classification: Likely benign for Tuberous sclerosis 2. Last evaluated: 2025-05-13. Review status: criteria provided, single submitter. Criteria: Myriad Autosomal Dominant, Autosomal Recessive and X-Linked Classification Criteria (2023). Collection method: clinical testing. Allele origin: unknown.
Comment: This variant is considered likely benign. This variant is intronic and is not expected to impact mRNA splicing.

Labcorp Genetics (formerly Invitae), Labcorp
Classification: Likely benign for Tuberous sclerosis 2. Last evaluated: 2025-04-18. Review status: criteria provided, single submitter. Criteria: Invitae Variant Classification Sherloc (09022015). Collection method: clinical testing. Allele origin: germline.

GeneDx
Classification: Likely benign. Last evaluated: 2018-03-01. Review status: criteria provided, single submitter. Criteria: GeneDx Variant Classification (06012015). Collection method: clinical testing. Allele origin: germline. Affected: yes.
Comment: This variant is considered likely benign or benign based on one or more of the following criteria: it is a conservative change, it occurs at a poorly conserved position in the protein, it is predicted to be benign by multiple in silico algorithms, and/or has population frequency not consistent with disease.

NM_000548.5(TSC2):c.1257+10C>T

Gene: TSC2 (TSC complex subunit 2; plus strand). Cytogenetic location: 16p13.3.
Variant type: single nucleotide variant.
Coding change: c.1257+10C>T on transcript NM_000548.5 (MANE Select); 10 bases into the intron after coding-DNA position 1257, C replaced by T.
Molecular consequence: intron variant.
Genome position (GRCh38, 1-based): chr16:2,062,018, C>T. VCF-style: chr16-2062018-C-T. GRCh37 (hg19) VCF-style: chr16-2112019-C-T.
Other names: c.1257+10C>T (NM_001114382.3, NM_021055.3, NM_001370405.1 and 3 more transcripts); c.1146+10C>T (NM_001318827.2); c.657+10C>T (NM_001318831.2); c.1110+10C>T (NM_001318829.2); c.1290+10C>T (NM_001318832.2).
Identifiers: ClinVar variation 515792 (VCV000515792.9), dbSNP rs756063576, ClinGen allele CA028862.